The following is an entry in ClinVar:

ClinVar aggregate classification (germline): Uncertain significance. Review status: criteria provided, multiple submitters, no conflicts (2 of 4 stars). 2 submissions from 2 submitters: Uncertain significance (2). Last evaluated 2026-01-05.

Conditions:
Aicardi-Goutieres syndrome 3. Identifiers: Orphanet 51, MedGen C1835916, MONDO:0012471, OMIM 610329.

Allele frequency attached by ClinVar (database versions not stated): gnomAD 0.00001 and 0.00002; TOPMed 0.00006.

Submissions (2):

Labcorp Genetics (formerly Invitae), Labcorp
Classification: Uncertain significance for Aicardi-Goutieres syndrome 3. Last evaluated: 2026-01-05. Review status: criteria provided, single submitter. Criteria: Invitae Variant Classification Sherloc (09022015). Collection method: clinical testing. Allele origin: germline.
Comment: This sequence change replaces histidine, which is basic and polar, with aspartic acid, which is acidic and polar, at codon 158 of the RNASEH2C protein (p.His158Asp). This variant is present in population databases (no rsID available, gnomAD 0.008%). This missense change has been observed in individual(s) with clinical features of Aicardi-Goutieres syndrome (PMID: 38381212). ClinVar contains an entry for this variant (Variation ID: 659651). An algorithm developed to predict the effect of missense changes on protein structure and function (PolyPhen-2) suggests that this variant is likely to be disruptive. In summary, the available evidence is currently insufficient to determine the role of this variant in disease. Therefore, it has been classified as a Variant of Uncertain Significance.

Illumina Laboratory Services, Illumina
Classification: Uncertain significance for Aicardi-Goutieres syndrome 3. Last evaluated: 2018-01-13. Review status: criteria provided, single submitter. Criteria: ICSL Variant Classification Criteria 13 December 2019. Collection method: clinical testing. Allele origin: germline.

Literature cited by the submitters: PubMed 38381212 (cited by Labcorp Genetics (formerly Invitae), Labcorp).

NM_032193.4(RNASEH2C):c.472C>G (p.His158Asp)

Gene: RNASEH2C (ribonuclease H2 subunit C; minus strand). Cytogenetic location: 11q13.1.
Variant type: single nucleotide variant.
Coding change: c.472C>G on transcript NM_032193.4 (MANE Select); coding-DNA position 472, C replaced by G.
Protein change: p.His158Asp; replaces histidine 158 with aspartic acid.
Molecular consequence: missense variant.
Genome position (GRCh38, 1-based): chr11:65,719,806, G>C on the plus strand (C>G on the coding strand, the complement: RNASEH2C is on the minus strand). VCF-style: chr11-65719806-G-C. GRCh37 (hg19) VCF-style: chr11-65487277-G-C.
Other names: short protein forms H158D.
Identifiers: ClinVar variation 659651 (VCV000659651.10), dbSNP rs759118175, ClinGen allele CA381293732.